The following is an entry in ClinVar:

NM_000455.5(STK11):c.1024_1027del (p.Glu342fs)

Genes: STK11 (serine/threonine kinase 11; plus strand), LOC130062899 (ATAC-STARR-seq lymphoblastoid active region 13597; plus strand). Cytogenetic location: 19p13.3.
Variant type: Deletion.
Coding change: c.1024_1027del on transcript NM_000455.5 (MANE Select); coding-DNA positions 1024 to 1027, 4 bases deleted (GAGG; older notation c.1024_1027delGAGG).
Protein change: p.Glu342fs; shifts the reading frame from glutamic acid 342.
Molecular consequence: frameshift variant.
Genome position (GRCh38, 1-based): chr19:1,223,088-1,223,091, GAGG deleted; deleting any 4 consecutive bases within chr19:1,223,087-1,223,091 gives the same sequence; the c. name uses the placement nearest the transcript's 3' end. VCF-style (leftmost placement, unchanged base first): chr19-1223086-TGGAG-T. GRCh37 (hg19) VCF-style: chr19-1223085-TGGAG-T.
Other names: short protein forms E342fs.
Identifiers: ClinVar variation 1068953 (VCV001068953.7), dbSNP rs2145431039, ClinGen allele CA2499225355.
Genomic context (GRCh38, chr19:1,223,086, plus strand): 5'-CCATCCCACCGAGCCCAGACACCAAGGACCGGTGGCGCAGCATGACTGTGGTGCCGTACT[TGGAG>T]GACCTGCACGGCGCGGACGAGGACGAGGACCTCTTCGACATCGAGGATGACATCATCTAC-3'

ClinVar aggregate classification (germline): Uncertain significance (1 of 4 stars; one submission).

Conditions:
Peutz-Jeghers syndrome (PJS). Also called: POLYPOSIS, HAMARTOMATOUS INTESTINAL; POLYPS-AND-SPOTS SYNDROME; Peutz-Jeghers polyposis; Periorificial lentiginosis syndrome. Identifiers: Orphanet 2869, MedGen C0031269, MeSH D010580, MONDO:0008280, OMIM 175200.

Submission:

Labcorp Genetics (formerly Invitae), Labcorp
Classification: Uncertain significance for Peutz-Jeghers syndrome. Last evaluated: 2020-11-04. Review status: criteria provided, single submitter. Criteria: Invitae Variant Classification Sherloc (09022015). Collection method: clinical testing. Allele origin: germline.
Comment: This variant has not been reported in the literature in individuals with STK11-related conditions. This sequence change results in a premature translational stop signal in the STK11 gene (p.Glu342Thrfs*50). While this is not anticipated to result in nonsense mediated decay, it is expected to disrupt the last 92 amino acid(s) of the STK11 protein. This variant is not present in population databases (ExAC no frequency). Experimental studies and prediction algorithms are not available or were not evaluated, and the functional significance of this variant is currently unknown. In summary, the available evidence is currently insufficient to determine the role of this variant in disease. Therefore, it has been classified as a Variant of Uncertain Significance.